The following is an entry in ClinVar:

NM_000245.4(MET):c.2103-14T>C

Gene: MET (MET proto-oncogene, receptor tyrosine kinase; plus strand). Cytogenetic location: 7q31.2.
Variant type: single nucleotide variant.
Coding change: c.2103-14T>C on transcript NM_000245.4 (MANE Select); 14 bases into the intron before coding-DNA position 2103, T replaced by C.
Molecular consequence: intron variant.
Genome position (GRCh38, 1-based): chr7:116,758,445, T>C. VCF-style: chr7-116758445-T-C. GRCh37 (hg19) VCF-style: chr7-116398499-T-C.
Other names: c.2103-14T>C (NM_001127500.3, NM_001324401.3); c.813-14T>C (NM_001324402.2).
Identifiers: ClinVar variation 3773145 (VCV003773145.1).

ClinVar aggregate classification (germline): Likely benign (1 of 4 stars; one submission).

Conditions:
Papillary renal cell carcinoma type 1 (RCCP1). Also called: Renal adenocarcinoma; Renal cell carcinoma 1; Renal cell carcinoma, somatic; RENAL CELL CARCINOMA, PAPILLARY, 1, SOMATIC. Identifiers: Orphanet 47044, MedGen C1336839, OMIM 605074, HP:0011797.

gnomAD v4.1: 1 of 1,603,944 alleles (0.000062%); highest among the groups gnomAD compares: Non-Finnish European, 0.000085%; no homozygotes.

Submission:

Myriad Genetics, Inc.
Classification: Likely benign for Papillary renal cell carcinoma type 1. Last evaluated: 2024-11-08. Review status: criteria provided, single submitter. Criteria: Myriad Autosomal Dominant, Autosomal Recessive and X-Linked Classification Criteria (2023). Collection method: clinical testing. Allele origin: unknown.
Comment: This variant is considered likely benign. This variant is intronic and is not expected to impact mRNA splicing.